The following is an entry in ClinVar:

ClinVar aggregate classification (germline): Pathogenic. Review status: criteria provided, multiple submitters, no conflicts (2 of 4 stars). 3 submissions from 3 submitters: Pathogenic (3). Last evaluated 2023-05-21.

Conditions:
Autosomal recessive nonsyndromic hearing loss 23. Identifiers: Orphanet 90636, MedGen C1836027, MONDO:0012293, OMIM 609533.
Usher syndrome type 1F (USH1F). Also called: USHER SYNDROME, TYPE IF. Identifiers: Orphanet 231169, Orphanet 886, MedGen C1865885, MONDO:0011186, OMIM 602083.

Submissions (3):

Baylor Genetics
Classification: Pathogenic for Autosomal recessive nonsyndromic hearing loss 23. Last evaluated: 2023-05-21. Review status: criteria provided, single submitter. Criteria: ACMG Guidelines, 2015. Collection method: clinical testing. Allele origin: unknown.

Labcorp Genetics (formerly Invitae), Labcorp
Classification: Pathogenic. Last evaluated: 2023-03-16. Review status: criteria provided, single submitter. Criteria: Invitae Variant Classification Sherloc (09022015). Collection method: clinical testing. Allele origin: germline.
Comment: This premature translational stop signal has been observed in individual(s) with Usher syndrome (PMID: 32467589). This variant is not present in population databases (gnomAD no frequency). This sequence change creates a premature translational stop signal (p.Tyr882*) in the PCDH15 gene. It is expected to result in an absent or disrupted protein product. Loss-of-function variants in PCDH15 are known to be pathogenic (PMID: 11398101, 11487575, 14570705). For these reasons, this variant has been classified as Pathogenic. ClinVar contains an entry for this variant (Variation ID: 802573). This variant is also known as c.2644_2645del (p.Tyr882fs*0).

Mendelics
Classification: Pathogenic for Usher syndrome type 1F. Last evaluated: 2019-05-28. Review status: criteria provided, single submitter. Criteria: Mendelics Assertion Criteria 2017. Collection method: clinical testing. Allele origin: unknown.

Literature cited by the submitters: PubMed 32467589 (cited by Labcorp Genetics (formerly Invitae), Labcorp); PubMed 11398101 (cited by Labcorp Genetics (formerly Invitae), Labcorp); PubMed 11487575 (cited by Labcorp Genetics (formerly Invitae), Labcorp); PubMed 14570705 (cited by Labcorp Genetics (formerly Invitae), Labcorp).

NM_001384140.1(PCDH15):c.2645_2646del (p.Asp881_Tyr882insTer)

Gene: PCDH15 (protocadherin related 15; minus strand). Cytogenetic location: 10q21.1.
Variant type: Deletion.
Coding change: c.2645_2646del on transcript NM_001384140.1 (MANE Select); coding-DNA positions 2645 to 2646, 2 bases deleted (AT; older notation c.2645_2646delAT).
Protein change: p.Asp881_Tyr882insTer.
Molecular consequence: nonsense. On other transcripts: frameshift variant (1).
Genome position (GRCh38, 1-based): chr10:54,020,297-54,020,298, AT deleted on the plus strand (AT on the coding strand, the reverse complement: PCDH15 is on the minus strand); deleting any 2 consecutive bases within chr10:54,020,297-54,020,299 gives the same sequence; the c. name uses the placement nearest the transcript's 3' end. VCF-style (leftmost placement, unchanged base first): chr10-54020296-CAT-C. GRCh37 (hg19) VCF-style: chr10-55780056-CAT-C.
Other names: c.2660_2661del, p.Asp886_Tyr887insTer (NM_001142763.2, NM_001142771.2); c.2645_2646del, p.Asp881_Tyr882insTer (NM_001142764.2, NM_001142766.2, NM_001142770.3 and 5 more transcripts); c.2432_2433del, p.Asp810_Tyr811insTer (NM_001142765.2); c.2534_2535del, p.Asp844_Tyr845insTer (NM_001142767.2); c.2579_2580del, p.Asp859_Tyr860insTer (NM_001142768.2, NM_001142773.2, NM_001354404.2); c.2680_2681delTA, p.Tyr894Terfs (NM_001142769.4); c.2666_2667del, p.Asp888_Tyr889insTer (NM_001354411.2).
Identifiers: ClinVar variation 802573 (VCV000802573.8), dbSNP rs1589950125, ClinGen allele CA915945911.